The following is an entry in ClinVar:

ClinVar aggregate classification (germline): Pathogenic (1 of 4 stars; one submission).

Conditions:
Autosomal dominant hypocalcemia 1 (HYPOC1). Also called: HYPOCALCEMIA, FAMILIAL. Identifiers: MedGen C3715128, MONDO:0011013, OMIM 601198.
Familial hypocalciuric hypercalcemia (FHH). Also called: Familial benign hypercalcemia. Identifiers: Orphanet 405, MedGen C1809471, MONDO:0018458.

Submission:

Labcorp Genetics (formerly Invitae), Labcorp
Classification: Pathogenic for Familial hypocalciuric hypercalcemia; Autosomal dominant hypocalcemia 1. Last evaluated: 2023-01-17. Review status: criteria provided, single submitter. Criteria: Invitae Variant Classification Sherloc (09022015). Collection method: clinical testing. Allele origin: germline.
Comment: For these reasons, this variant has been classified as Pathogenic. This variant has not been reported in the literature in individuals affected with CASR-related conditions. This variant is not present in population databases (gnomAD no frequency). This sequence change creates a premature translational stop signal (p.Ile33Profs*14) in the CASR gene. It is expected to result in an absent or disrupted protein product. Loss-of-function variants in CASR are known to be pathogenic (PMID: 11807402, 14985373, 22422767).

Literature cited by the submitters: PubMed 11807402; PubMed 14985373; PubMed 22422767.

NM_000388.4(CASR):c.97_98del (p.Ile33fs)

Gene: CASR (calcium sensing receptor; plus strand). Cytogenetic location: 3q21.1.
Variant type: Deletion.
Coding change: c.97_98del on transcript NM_000388.4 (MANE Select); coding-DNA positions 97 to 98, 2 bases deleted (AT; older notation c.97_98delAT).
Protein change: p.Ile33fs; shifts the reading frame from isoleucine 33.
Molecular consequence: frameshift variant.
Genome position (GRCh38, 1-based): chr3:122,254,286-122,254,287, AT deleted; deleting any 2 consecutive bases within chr3:122,254,285-122,254,287 gives the same sequence; the c. name uses the placement nearest the transcript's 3' end. VCF-style (leftmost placement, unchanged base first): chr3-122254284-TTA-T. GRCh37 (hg19) VCF-style: chr3-121973131-TTA-T.
Other names: c.97_98del, p.Ile33fs (NM_001178065.2); short protein forms I33fs.
Identifiers: ClinVar variation 2943313 (VCV002943313.3), dbSNP rs2473205414, ClinGen allele CA2577869957.
Genomic context (GRCh38, chr3:122,254,284, plus strand): 5'-CACTCACCTGGCACACCTCTGCCTACGGGCCAGACCAGCGAGCCCAAAAGAAGGGGGACA[TTA>T]TCCTTGGGGGGCTCTTTCCTATTCATTTTGGAGTAGCAGCTAAAGATCAAGATCTCAAAT-3'